The following is an entry in ClinVar:

ClinVar aggregate classification (germline): Uncertain significance. Review status: criteria provided, multiple submitters, no conflicts (2 of 4 stars). 3 submissions from 3 submitters: Uncertain significance (3). Last evaluated 2026-05-01.

Conditions:
Glycogen storage disease IXb (GSD9B). Also called: GLYCOGENOSIS OF LIVER AND MUSCLE, AUTOSOMAL RECESSIVE; GSD IXb; PHOSPHORYLASE KINASE DEFICIENCY OF LIVER AND MUSCLE, AUTOSOMAL RECESSIVE. Identifiers: Orphanet 79240, MedGen C0543514, MONDO:0009868, OMIM 261750.
Inborn genetic diseases. Identifiers: MedGen C0950123, MeSH D030342.

Allele frequency attached by ClinVar (database versions not stated): gnomAD exomes 0.00004 and 0.00019; ExAC 0.00017; gnomAD 0.00018; TOPMed 0.00032.
gnomAD v4.1: 87 of 1,606,684 alleles (0.0054%); highest among the groups gnomAD compares: Admixed American, 0.13%; 2 homozygotes.

Submissions (3):

CeGaT Center for Human Genetics Tuebingen
Classification: Uncertain significance. Last evaluated: 2026-05-01. Review status: criteria provided, single submitter. Criteria: CeGaT Center For Human Genetics Tuebingen Variant Classification Criteria Version 2. Collection method: clinical testing. Allele origin: germline. Affected: yes. Observed: 1 variant allele.

Labcorp Genetics (formerly Invitae), Labcorp
Classification: Uncertain significance for Glycogen storage disease IXb. Last evaluated: 2026-01-22. Review status: criteria provided, single submitter. Criteria: Invitae Variant Classification Sherloc (09022015). Collection method: clinical testing. Allele origin: germline.
Comment: This sequence change replaces valine, which is neutral and non-polar, with alanine, which is neutral and non-polar, at codon 523 of the PHKB protein (p.Val523Ala). This variant is present in population databases (rs774398701, gnomAD 0.1%). This variant has not been reported in the literature in individuals affected with PHKB-related conditions. ClinVar contains an entry for this variant (Variation ID: 1431046). An algorithm developed to predict the effect of missense changes on protein structure and function outputs the following: PolyPhen-2: "Benign". The alanine amino acid residue is found in multiple mammalian species, which suggests that this missense change does not adversely affect protein function. In summary, the available evidence is currently insufficient to determine the role of this variant in disease. Therefore, it has been classified as a Variant of Uncertain Significance.

Ambry Genetics
Classification: Uncertain significance for Inborn genetic diseases. Last evaluated: 2024-04-15. Review status: criteria provided, single submitter. Criteria: Ambry Variant Classification Scheme 2023. Collection method: clinical testing. Allele origin: germline.

NM_000293.3(PHKB):c.1568T>C (p.Val523Ala)

Gene: PHKB (phosphorylase kinase regulatory subunit beta; plus strand). Cytogenetic location: 16q12.1.
Variant type: single nucleotide variant.
Coding change: c.1568T>C on transcript NM_000293.3 (MANE Select); coding-DNA position 1568, T replaced by C.
Protein change: p.Val523Ala; replaces valine 523 with alanine.
Molecular consequence: missense variant.
Genome position (GRCh38, 1-based): chr16:47,641,652, T>C. VCF-style: chr16-47641652-T-C. GRCh37 (hg19) VCF-style: chr16-47675563-T-C.
Other names: c.1568T>C (NM_000293.2); c.1547T>C, p.Val516Ala (NM_001031835.3); c.1568T>C, p.Val523Ala (NM_001363837.1); short protein forms V516A, V523A.
Identifiers: ClinVar variation 1431046 (VCV001431046.7), dbSNP rs774398701, ClinGen allele CA8040883.
Genomic context (GRCh38, chr16:47,641,652, plus strand): 5'-TCTTTAGACTTCAAGTTTTTCTGAACACATATGGTATTCAAACTCAAACTCCTCAACAAG[T>C]AGAACCCATTCAGATATGGCCTCAGCAGGAGCTTGTGAAAGTAAGTGATTCTGCCTTTTA-3'
Protein context (NP_000284.1, residues 513-533): YGIQTQTPQQ[Val523Ala]EPIQIWPQQE